The following is an entry in ClinVar:

NM_000535.7(PMS2):c.259C>A (p.His87Asn)

Gene: PMS2 (PMS1 homolog 2, mismatch repair system component; minus strand). Cytogenetic location: 7p22.1.
Variant type: single nucleotide variant.
Coding change: c.259C>A on transcript NM_000535.7 (MANE Select); coding-DNA position 259, C replaced by A.
Protein change: p.His87Asn; replaces histidine 87 with asparagine.
Molecular consequence: missense variant. On other transcripts: 5 prime UTR variant (35), non-coding transcript variant (1), intron variant (11).
Genome position (GRCh38, 1-based): chr7:6,003,784, G>T on the plus strand (C>A on the coding strand, the complement: PMS2 is on the minus strand). VCF-style: chr7-6003784-G-T. GRCh37 (hg19) VCF-style: chr7-6043415-G-T.
Other names: c.-147C>A (NM_001322003.2, NM_001322004.2, NM_001322005.2 and 13 more transcripts); c.259C>A, p.His87Asn (NM_001322006.2, NM_001322014.2, NM_001406869.1 and 8 more transcripts); c.-626C>A (NM_001322011.2, NM_001322012.2); c.-226C>A (NM_001322015.2, NM_001406875.1, NM_001406877.1 and 3 more transcripts); c.445C>A, p.His149Asn (NM_001406866.1); c.283C>A, p.His95Asn (NM_001406868.1); c.-173C>A (NM_001406880.1); c.-94C>A (NM_001406888.1, NM_001406889.1, NM_001406892.1 and 6 more transcripts); and 5 more; short protein forms H149N, H87N, H95N.
Identifiers: ClinVar variation 4757708 (VCV004757708.1).

ClinVar aggregate classification (germline): Uncertain significance (1 of 4 stars; one submission).

Conditions:
Hereditary cancer-predisposing syndrome. Also called: Tumor predisposition; Hereditary Cancer Syndrome; Neoplastic Syndromes, Hereditary; Hereditary neoplastic syndrome. Identifiers: Orphanet 140162, MedGen C0027672, MeSH D009386, MONDO:0015356.

Submission:

Color Diagnostics, LLC DBA Color Health
Classification: Uncertain significance for Hereditary cancer-predisposing syndrome. Last evaluated: 2025-07-23. Review status: criteria provided, single submitter. Criteria: ACMG Guidelines, 2015. Collection method: clinical testing. Allele origin: germline.
Comment: This missense variant replaces histidine with asparagine at codon 87 of the PMS2 protein. Computational prediction suggests that this variant may have deleterious impact on protein structure and function. To our knowledge, functional studies have not been reported for this variant. This variant has not been reported in individuals affected with PMS2-related disorders in the literature. This variant has not been identified in the general population by the Genome Aggregation Database (gnomAD). The available evidence is insufficient to determine the role of this variant in disease conclusively. Therefore, this variant is classified as a Variant of Uncertain Significance.